The following is an entry in ClinVar:

ClinVar aggregate classification (germline): Uncertain significance (1 of 4 stars; one submission).

Submission:

Mayo Clinic Laboratories, Mayo Clinic
Classification: Uncertain significance. Last evaluated: 2025-08-01. Review status: criteria provided, single submitter. Criteria: ACMG Guidelines, 2015. Collection method: clinical testing. Allele origin: germline. Observed: 1 variant allele.
Comment: BP4

NM_002206.3(ITGA7):c.2497G>A (p.Glu833Lys)

Genes: ITGA7 (integrin subunit alpha 7; minus strand), LOC126861535 (CDK7 strongly-dependent group 2 enhancer GRCh37_chr12:56087579-56088778; plus strand). Cytogenetic location: 12q13.2.
Variant type: single nucleotide variant.
Coding change: c.2497G>A on transcript NM_002206.3 (MANE Select); coding-DNA position 2497, G replaced by A.
Protein change: p.Glu833Lys; replaces glutamic acid 833 with lysine.
Molecular consequence: missense variant.
Genome position (GRCh38, 1-based): chr12:55,694,059, C>T on the plus strand (G>A on the coding strand, the complement: ITGA7 is on the minus strand). VCF-style: chr12-55694059-C-T. GRCh37 (hg19) VCF-style: chr12-56087843-C-T.
Other names: p.Glu833Lys; c.2509G>A, p.Glu837Lys (NM_001144996.2); c.2218G>A, p.Glu740Lys (NM_001144997.2); c.2170G>A, p.Glu724Lys (NM_001367993.1); c.1153G>A, p.Glu385Lys (NM_001367994.1); c.2479G>A, p.Glu827Lys (NM_001374465.1); c.2629G>A, p.Glu877Lys (NM_001410977.1); c.2491G>A, p.Glu831Lys (NM_001414029.1); and 6 more; short protein forms E833K, E720K, E772K, E793K, E837K, E385K, E724K, E758K.
Identifiers: ClinVar variation 4541721 (VCV004541721.1).
Genomic context (GRCh38, chr12:55,694,059, plus strand): 5'-GGGCCTCATCCCTGACACTTACCGTGACCTCATACTTGACCTTGCTGCCCACATCCCGCT[C>T]AGACTGCATGGCTCTCTCGCCCCTCACCACACCAGAGAAGAAGAGTTGCTGGGGAATGGC-3'
Protein context (NP_002197.2, residues 823-843): VVRGERAMQS[Glu833Lys]RDVGSKVKYE